The following is an entry in ClinVar:

NM_031220.4(PITPNM3):c.1328G>A (p.Arg443Gln)

Gene: PITPNM3 (PITPNM family member 3; minus strand). Cytogenetic location: 17p13.2.
Variant type: single nucleotide variant.
Coding change: c.1328G>A on transcript NM_031220.4 (MANE Select); coding-DNA position 1328, G replaced by A.
Protein change: p.Arg443Gln; replaces arginine 443 with glutamine.
Molecular consequence: missense variant.
Genome position (GRCh38, 1-based): chr17:6,472,758, C>T on the plus strand (G>A on the coding strand, the complement: PITPNM3 is on the minus strand). VCF-style: chr17-6472758-C-T. GRCh37 (hg19) VCF-style: chr17-6376078-C-T.
Other names: c.1220G>A, p.Arg407Gln (NM_001165966.2); short protein forms R407Q, R443Q.
Identifiers: ClinVar variation 1346655 (VCV001346655.8), dbSNP rs1241778920, ClinGen allele CA397406125.
Genomic context (GRCh38, chr17:6,472,758, plus strand): 5'-TAGCGAGGCACGCTGACAGGCGGCACCAGGTGGAACTTGGGCTCCAGCAGTGGCTCGAGC[C>T]GTGAGGCAGAGGGGTCTGCGCAATGGAAGAAGCTGTAGACCTGGCTGCAGGCAGGACGCA-3'
Protein context (NP_112497.2, residues 433-453): FFHCADPSAS[Arg443Gln]LEPLLEPKFH

ClinVar aggregate classification (germline): Uncertain significance (1 of 4 stars; one submission).

Allele frequency attached by ClinVar (database versions not stated): gnomAD exomes below 0.00001.
gnomAD v4.1: 1 of 1,614,050 alleles (0.000062%); highest among the groups gnomAD compares: South Asian, 0.0011%; no homozygotes.

Submission:

Labcorp Genetics (formerly Invitae), Labcorp
Classification: Uncertain significance. Last evaluated: 2025-09-02. Review status: criteria provided, single submitter. Criteria: Invitae Variant Classification Sherloc (09022015). Collection method: clinical testing. Allele origin: germline.
Comment: This sequence change replaces arginine, which is basic and polar, with glutamine, which is neutral and polar, at codon 443 of the PITPNM3 protein (p.Arg443Gln). This variant is present in population databases (no rsID available, gnomAD 0.003%). This missense change has been observed in individual(s) with autism spectrum disorder (PMID: 35982159). ClinVar contains an entry for this variant (Variation ID: 1346655). Invitae Evidence Modeling of protein sequence and biophysical properties (such as structural, functional, and spatial information, amino acid conservation, physicochemical variation, residue mobility, and thermodynamic stability) has been performed for this missense variant. However, the output from this modeling did not meet the statistical confidence thresholds required to predict the impact of this variant on PITPNM3 protein function. In summary, the available evidence is currently insufficient to determine the role of this variant in disease. Therefore, it has been classified as a Variant of Uncertain Significance.

Literature cited by the submitters: PubMed 35982159.